The following is an entry in ClinVar:

NM_152722.5(HEPACAM):c.520_541del (p.Gly173_Thr174insTer)

Gene: HEPACAM (hepatic and glial cell adhesion molecule; minus strand). Cytogenetic location: 11q24.2.
Variant type: Deletion.
Coding change: c.520_541del on transcript NM_152722.5 (MANE Select); coding-DNA positions 520 to 541, 22 bases deleted (ACCAAGCCCAGCTACACCTGGC).
Protein change: p.Gly173_Thr174insTer.
Molecular consequence: nonsense.
Genome position (GRCh38, 1-based): chr11:124,923,897-124,923,918, GCCAGGTGTAGCTGGGCTTGGT deleted on the plus strand (ACCAAGCCCAGCTACACCTGGC on the coding strand, the reverse complement: HEPACAM is on the minus strand); deleting any 22 consecutive bases within chr11:124,923,897-124,923,922 gives the same sequence; the c. name uses the placement nearest the transcript's 3' end. VCF-style (leftmost placement, unchanged base first): chr11-124923896-AGCCAGGTGTAGCTGGGCTTGGT-A. GRCh37 (hg19) VCF-style: chr11-124793792-AGCCAGGTGTAGCTGGGCTTGGT-A.
Identifiers: ClinVar variation 1437100 (VCV001437100.6), dbSNP rs2135399091, ClinGen allele CA2573147044.
Genomic context (GRCh38, chr11:124,923,896, plus strand): 5'-ACCTTTTGGTCGGGGGACAGGAGCATTCTCGAGTCATTGAGGAGGGGCTTGCCATCCTTC[AGCCAGGTGTAGCTGGGCTTGGT>A]GCCATTCTCATGTGAGCAGTTCAAGGTGAAGGCCTCGCTGAGCTCCAGCACAGTGGTTGA-3'

ClinVar aggregate classification (germline): Pathogenic (1 of 4 stars; one submission).

Submission:

Labcorp Genetics (formerly Invitae), Labcorp
Classification: Pathogenic. Last evaluated: 2021-12-02. Review status: criteria provided, single submitter. Criteria: Invitae Variant Classification Sherloc (09022015). Collection method: clinical testing. Allele origin: germline.
Comment: This sequence change creates a premature translational stop signal (p.Thr174*) in the HEPACAM gene. It is expected to result in an absent or disrupted protein product. Loss-of-function variants in HEPACAM are known to be pathogenic (PMID: 21419380, 24202401). This variant is not present in population databases (gnomAD no frequency). This variant has not been reported in the literature in individuals affected with HEPACAM-related conditions. For these reasons, this variant has been classified as Pathogenic.

Literature cited by the submitters: PubMed 21419380; PubMed 24202401.